The following is an entry in ClinVar:

NM_001370298.3(FGD4):c.2590C>G (p.Leu864Val)

Gene: FGD4 (FYVE, RhoGEF and PH domain containing 4; plus strand). Cytogenetic location: 12p11.21.
Variant type: single nucleotide variant.
Coding change: c.2590C>G on transcript NM_001370298.3 (MANE Select); coding-DNA position 2590, C replaced by G.
Protein change: p.Leu864Val; replaces leucine 864 with valine.
Molecular consequence: missense variant.
Genome position (GRCh38, 1-based): chr12:32,640,411, C>G. VCF-style: chr12-32640411-C-G. GRCh37 (hg19) VCF-style: chr12-32793345-C-G.
Other names: c.2590C>G, p.Leu864Val (NM_001384126.1); c.2179C>G, p.Leu727Val (NM_001384127.1, NM_001384128.1, NM_001385118.1 and 1 more transcripts); c.1900C>G, p.Leu634Val (NM_001384130.1, NM_001330373.2, NM_001330374.2); c.2434C>G, p.Leu812Val (NM_001304481.2); c.1147C>G, p.Leu383Val (NM_001304484.2); c.1627C>G, p.Leu543Val (NM_001370297.1); short protein forms L543V, L383V, L634V, L812V, L727V, L864V.
Identifiers: ClinVar variation 640825 (VCV000640825.10), dbSNP rs1592515601, ClinGen allele CA384372531.

ClinVar aggregate classification (germline): Uncertain significance (1 of 4 stars; one submission).

Conditions:
Charcot-Marie-Tooth disease type 4. Also called: Charcot-Marie-Tooth disease, type IV; Charcot-Marie-Tooth, Type 4. Identifiers: Orphanet 64749, MedGen C4082197, MONDO:0018995.

Submission:

Labcorp Genetics (formerly Invitae), Labcorp
Classification: Uncertain significance for Charcot-Marie-Tooth disease type 4. Last evaluated: 2021-02-01. Review status: criteria provided, single submitter. Criteria: Invitae Variant Classification Sherloc (09022015). Collection method: clinical testing. Allele origin: germline.
Comment: This variant is not present in population databases (ExAC no frequency). This sequence change replaces leucine with valine at codon 727 of the FGD4 protein (p.Leu727Val). The leucine residue is highly conserved and there is a small physicochemical difference between leucine and valine. This variant has not been reported in the literature in individuals with FGD4-related disease. In summary, the available evidence is currently insufficient to determine the role of this variant in disease. Therefore, it has been classified as a Variant of Uncertain Significance. Algorithms developed to predict the effect of missense changes on protein structure and function are either unavailable or do not agree on the potential impact of this missense change (SIFT: "Deleterious"; PolyPhen-2: "Benign"; Align-GVGD: "Class C25").